The following is an entry in ClinVar:

ClinVar aggregate classification (germline): Uncertain significance. Review status: criteria provided, multiple submitters, no conflicts (2 of 4 stars). 2 submissions from 2 submitters: Uncertain significance (2). Last evaluated 2022-09-07.

Conditions:
Long QT syndrome (LQTS). Identifiers: MedGen C0023976, MeSH D008133, MONDO:0002442. Disease mechanism: loss of function. Inheritance: Various modes of inheritance.

Allele frequency attached by ClinVar (database versions not stated): gnomAD exomes below 0.00001; TOPMed below 0.00001.
gnomAD v4.1: 1 of 1,613,782 alleles (0.000062%); highest among the groups gnomAD compares: South Asian, 0.0011%; no homozygotes.

Submissions (2):

GeneDx
Classification: Uncertain significance. Last evaluated: 2022-09-07. Review status: criteria provided, single submitter. Criteria: GeneDx Variant Classification Process June 2021. Collection method: clinical testing. Allele origin: germline. Affected: yes.
Comment: Not observed at significant frequency in large population cohorts (gnomAD); In silico analysis supports that this missense variant has a deleterious effect on protein structure/function; Has not been previously published as pathogenic or benign to our knowledge

Labcorp Genetics (formerly Invitae), Labcorp
Classification: Uncertain significance for Long QT syndrome. Last evaluated: 2019-11-04. Review status: criteria provided, single submitter. Criteria: Invitae Variant Classification Sherloc (09022015). Collection method: clinical testing. Allele origin: germline.
Comment: This sequence change replaces arginine with histidine at codon 1342 of the CACNA1C protein (p.Arg1342His). The arginine residue is highly conserved and there is a small physicochemical difference between arginine and histidine. This variant is not present in population databases (ExAC no frequency). This variant has not been reported in the literature in individuals with CACNA1C-related conditions. Algorithms developed to predict the effect of missense changes on protein structure and function are either unavailable or do not agree on the potential impact of this missense change (SIFT: "Deleterious"; PolyPhen-2: "Probably Damaging"; Align-GVGD: "Class C0"). In summary, the available evidence is currently insufficient to determine the role of this variant in disease. Therefore, it has been classified as a Variant of Uncertain Significance.

NM_000719.7(CACNA1C):c.4025G>A (p.Arg1342His)

Gene: CACNA1C (calcium voltage-gated channel subunit alpha1 C; plus strand). Cytogenetic location: 12p13.33.
Variant type: single nucleotide variant.
Coding change: c.4025G>A on transcript NM_000719.7 (MANE Select); coding-DNA position 4025, G replaced by A.
Protein change: p.Arg1342His; replaces arginine 1342 with histidine.
Molecular consequence: missense variant.
Genome position (GRCh38, 1-based): chr12:2,651,719, G>A. VCF-style: chr12-2651719-G-A. GRCh37 (hg19) VCF-style: chr12-2760885-G-A.
Other names: c.4169G>A, p.Arg1390His (NM_001129827.2, NM_199460.4); c.4091G>A, p.Arg1364His (NM_001129829.2); c.4025G>A, p.Arg1342His (NM_001129830.3, NM_001129833.2, NM_001129834.2 and 7 more transcripts); c.4109G>A, p.Arg1370His (NM_001129831.2); c.4085G>A, p.Arg1362His (NM_001129832.2); c.4076G>A, p.Arg1359His (NM_001129836.2); c.3992G>A, p.Arg1331His (NM_001129837.2, NM_001129838.2, NM_001129846.2 and 1 more transcripts); c.3986G>A, p.Arg1329His (NM_001129839.2); and 1 more; short protein forms R1370H, R1331H, R1364H, R1329H, R1339H, R1342H, R1359H, R1390H.
Identifiers: ClinVar variation 963821 (VCV000963821.10), dbSNP rs1365999989, ClinGen allele CA383373686.